The following is an entry in ClinVar:

ClinVar aggregate classification (germline): Likely benign (0 of 4 stars; one submission).

Conditions:
ACAD9-related disorder. Also called: ACAD9-related condition.

Allele frequency attached by ClinVar (database versions not stated): ExAC 0.00001.
gnomAD v4.1: 4 of 1,612,124 alleles (0.00025%); highest among the groups gnomAD compares: African/African-American, 0.004%; no homozygotes.

Submission:

PreventionGenetics, part of Exact Sciences
Classification: Likely benign for ACAD9-related condition. Last evaluated: 2020-01-07. Review status: no assertion criteria provided. Collection method: clinical testing. Allele origin: germline.
Comment: This variant is classified as likely benign based on ACMG/AMP sequence variant interpretation guidelines (Richards et al. 2015 PMID: 25741868, with internal and published modifications).

NM_014049.5(ACAD9):c.-10A>T

Gene: ACAD9 (acyl-CoA dehydrogenase family member 9; plus strand). Cytogenetic location: 3q21.3.
Variant type: single nucleotide variant.
Coding change: c.-10A>T on transcript NM_014049.5 (MANE Select); 10 bases upstream of the start codon, A replaced by T.
Molecular consequence: 5 prime UTR variant. On other transcripts: non-coding transcript variant (1).
Genome position (GRCh38, 1-based): chr3:128,879,682, A>T. VCF-style: chr3-128879682-A-T. GRCh37 (hg19) VCF-style: chr3-128598525-A-T.
Other names: c.-285A>T (NM_001410805.1).
Identifiers: ClinVar variation 3050984 (VCV003050984.2), dbSNP rs776598614, ClinGen allele CA2600986.